The following is an entry in ClinVar:

ClinVar aggregate classification (germline): Benign/Likely benign. Review status: criteria provided, multiple submitters, no conflicts (2 of 4 stars). 7 submissions from 7 submitters: Benign (5); Likely benign (1). 1 of the submissions does not count toward it. Last evaluated 2026-09-01.

Conditions:
OTOF-related disorder. Also called: OTOF-related condition.

Allele frequency attached by ClinVar (database versions not stated): TOPMed 0.00438; gnomAD 0.00434; gnomAD exomes 0.00437 and 0.00539; ESP Exome Variant Server 0.00462; 1000 Genomes Project 30x 0.00359; ExAC 0.00452; 1000 Genomes Project 0.00319.
gnomAD v4.1: 8,484 of 1,612,286 alleles (0.53%); highest among the groups gnomAD compares: Admixed American, 0.72%; 34 homozygotes.

Submissions (7):

CeGaT Center for Human Genetics Tuebingen
Classification: Likely benign. Last evaluated: 2026-09-01. Review status: criteria provided, single submitter. Criteria: CeGaT Center For Human Genetics Tuebingen Variant Classification Criteria Version 2. Collection method: clinical testing. Allele origin: germline. Affected: yes. Observed: 16 variant alleles.
Comment: OTOF: BS2

Labcorp Genetics (formerly Invitae), Labcorp
Classification: Benign. Last evaluated: 2026-01-31. Review status: criteria provided, single submitter. Criteria: Invitae Variant Classification Sherloc (09022015). Collection method: clinical testing. Allele origin: germline.

GeneDx
Classification: Benign. Last evaluated: 2019-01-06. Review status: criteria provided, single submitter. Criteria: GeneDx Variant Classification Process June 2021. Collection method: clinical testing. Allele origin: germline. Affected: yes.

Eurofins Ntd Llc (ga)
Classification: Benign. Last evaluated: 2015-10-08. Review status: criteria provided, single submitter. Criteria: EGL Classification Definitions 2015. Collection method: clinical testing. Allele origin: germline. Observed: 1 variant allele, 1 heterozygote.

Laboratory for Molecular Medicine, Mass General Brigham Personalized Medicine
Classification: Benign. Last evaluated: 2013-06-13. Review status: criteria provided, single submitter. Criteria: LMM Criteria. Collection method: clinical testing. Allele origin: germline. Observed: 19 variant alleles.
Comment: p.Thr42Thr in exon 1A of OTOF: This variant is not expected to have clinical sig nificance because it does not alter an amino acid residue, is not located within the splice consensus sequence, and has been identified in 0.7% (57/8531) of Eur opean American chromosomes by the NHLBI Exome Sequencing Project (.; dbSNP rs111033427).

Breakthrough Genomics
Classification: Benign. Review status: criteria provided, single submitter. Criteria: ACMG Guidelines, 2015. Collection method: not provided. Allele origin: germline. Inheritance: Autosomal recessive inheritance. Affected: yes.

PreventionGenetics, part of Exact Sciences
Classification: Likely benign for OTOF-related condition. Last evaluated: 2020-01-22. Review status: no assertion criteria provided. Collection method: clinical testing. Allele origin: germline. Not counted in ClinVar's aggregate classification.
Comment: This variant is classified as likely benign based on ACMG/AMP sequence variant interpretation guidelines (Richards et al. 2015 PMID: 25741868, with internal and published modifications).

NM_194248.3(OTOF):c.2215-19C>G

Gene: OTOF (otoferlin; minus strand). Cytogenetic location: 2p23.3.
Variant type: single nucleotide variant.
Coding change: c.2215-19C>G on transcript NM_194248.3 (MANE Select); 19 bases into the intron before coding-DNA position 2215, C replaced by G.
Molecular consequence: intron variant. On other transcripts: synonymous variant (1).
Genome position (GRCh38, 1-based): chr2:26,477,768, G>C on the plus strand (C>G on the coding strand, the complement: OTOF is on the minus strand). VCF-style: chr2-26477768-G-C. GRCh37 (hg19) VCF-style: chr2-26700636-G-C.
Other names: c.126C>G, p.Thr42= (NM_194322.3); c.2215-19C>G (NM_001287489.2); c.-27-19C>G (NM_194323.3, NM_004802.4).
Identifiers: ClinVar variation 48188 (VCV000048188.46), dbSNP rs111033427, ClinGen allele CA142786.
Genomic context (GRCh38, chr2:26,477,768, plus strand): 5'-CTCCGTTTTGATCATCTCCTGTATGTCGTTCAGGCCTTCTTCCTGTGAATCAGGAGTGTG[G>C]GTGATGCTGGGCCACAGCCCCGCCTCCCCAGCCTCCCCAAATGCCTCCTCCCTGTTGATC-3'